The following is an entry in ClinVar:

ClinVar aggregate classification (germline): Uncertain significance (1 of 4 stars; one submission).

Submission:

Labcorp Genetics (formerly Invitae), Labcorp
Classification: Uncertain significance. Last evaluated: 2021-06-08. Review status: criteria provided, single submitter. Criteria: Invitae Variant Classification Sherloc (09022015). Collection method: clinical testing. Allele origin: germline.
Comment: This sequence change replaces isoleucine with valine at codon 195 of the CLCC1 protein (p.Ile195Val). The isoleucine residue is moderately conserved and there is a small physicochemical difference between isoleucine and valine. This variant is not present in population databases (ExAC no frequency). This variant has not been reported in the literature in individuals with CLCC1-related conditions. Algorithms developed to predict the effect of missense changes on protein structure and function output the following: SIFT: "Tolerated"; PolyPhen-2: "Benign"; Align-GVGD: "Class C0". The valine amino acid residue is found in multiple mammalian species, suggesting that this missense change does not adversely affect protein function. These predictions have not been confirmed by published functional studies and their clinical significance is uncertain. In summary, the available evidence is currently insufficient to determine the role of this variant in disease. Therefore, it has been classified as a Variant of Uncertain Significance.

NM_001377458.1(CLCC1):c.583A>G (p.Ile195Val)

Gene: CLCC1 (chloride channel CLIC like 1; minus strand). Cytogenetic location: 1p13.3.
Variant type: single nucleotide variant.
Coding change: c.583A>G on transcript NM_001377458.1 (MANE Select); coding-DNA position 583, A replaced by G.
Protein change: p.Ile195Val; replaces isoleucine 195 with valine.
Molecular consequence: missense variant. On other transcripts: intron variant (2), non-coding transcript variant (1).
Genome position (GRCh38, 1-based): chr1:108,943,594, T>C on the plus strand (A>G on the coding strand, the complement: CLCC1 is on the minus strand). VCF-style: chr1-108943594-T-C. GRCh37 (hg19) VCF-style: chr1-109486216-T-C.
Other names: c.583A>G, p.Ile195Val (NM_001048210.3, NM_001377459.1, NM_001377460.1 and 8 more transcripts); c.340-2096A>G (NM_001278202.2); c.340-3812A>G (NM_001278203.1); c.481A>G, p.Ile161Val (NM_001377469.1); c.292A>G, p.Ile98Val (NM_001377470.1); c.433A>G, p.Ile145Val (NM_015127.5); short protein forms I195V, I145V, I98V, I161V.
Identifiers: ClinVar variation 1461057 (VCV001461057.8), dbSNP rs2101653981, ClinGen allele CA341462697.